The following is an entry in ClinVar:

NM_000051.4(ATM):c.424A>G (p.Ser142Gly)

Gene: ATM (ATM serine/threonine kinase; plus strand). Cytogenetic location: 11q22.3.
Variant type: single nucleotide variant.
Coding change: c.424A>G on transcript NM_000051.4 (MANE Select); coding-DNA position 424, A replaced by G.
Protein change: p.Ser142Gly; replaces serine 142 with glycine.
Molecular consequence: missense variant.
Genome position (GRCh38, 1-based): chr11:108,235,762, A>G. VCF-style: chr11-108235762-A-G. GRCh37 (hg19) VCF-style: chr11-108106489-A-G.
Other names: c.424A>G, p.Ser142Gly (NM_001351834.2); short protein forms S142G.
Identifiers: ClinVar variation 2587760 (VCV002587760.4), dbSNP rs2135123941, ClinGen allele CA382525127.
Genomic context (GRCh38, chr11:108,235,762, plus strand): 5'-AATTATATCATGGATACAGTGAAAGATTCATCTAATGGTGCTATTTACGGAGCTGATTGT[A>G]GCAACATACTACTCAAAGACATTCTTTCTGTGAGAAAATACTGGTGTGAAATATCTCAGC-3'
Protein context (NP_000042.3, residues 132-152): SNGAIYGADC[Ser142Gly]NILLKDILSV

ClinVar aggregate classification (germline): Uncertain significance. Review status: criteria provided, single submitter (1 of 4 stars). 2 submissions from 2 submitters: Uncertain significance (1). 1 of the submissions does not count toward it. Last evaluated 2025-07-16.

Conditions:
Ataxia-telangiectasia syndrome (AT). Also called: Cerebello-oculocutaneous telangiectasia; Immunodeficiency with ataxia telangiectasia; Ataxia-telangiectasia, complementation group D; ATAXIA-TELANGIECTASIA, COMPLEMENTATION GROUP A; ATAXIA-TELANGIECTASIA, FRESNO VARIANT; Ataxia-telangiectasia. Identifiers: Orphanet 100, MedGen C0004135, MONDO:0008840, OMIM 208900.
Hereditary cancer-predisposing syndrome. Also called: Tumor predisposition; Neoplastic Syndromes, Hereditary; Hereditary Cancer Syndrome; Hereditary neoplastic syndrome. Identifiers: Orphanet 140162, MedGen C0027672, MeSH D009386, MONDO:0015356.

Submissions (2):

Ambry Genetics
Classification: Uncertain significance for Hereditary cancer-predisposing syndrome. Last evaluated: 2025-07-16. Review status: criteria provided, single submitter. Criteria: Ambry Variant Classification Scheme 2023. Collection method: clinical testing. Allele origin: germline.
Comment: The p.S142G variant (also known as c.424A>G), located in coding exon 4 of the ATM gene, results from an A to G substitution at nucleotide position 424. The serine at codon 142 is replaced by glycine, an amino acid with similar properties. This amino acid position is highly conserved in available vertebrate species. In addition, the in silico prediction for this alteration is inconclusive. Based on the available evidence, the clinical significance of this variant remains unclear.

Natera, Inc.
Classification: Uncertain significance for Ataxia-telangiectasia. Last evaluated: 2025-04-10. Review status: no assertion criteria provided. Collection method: clinical testing. Allele origin: germline. Not counted in ClinVar's aggregate classification.